The following is an entry in ClinVar:

ClinVar aggregate classification (germline): Uncertain significance (1 of 4 stars; one submission).

gnomAD v4.1: 12 of 1,614,168 alleles (0.00074%); highest among the groups gnomAD compares: Admixed American, 0.015%; no homozygotes.

Submission:

Labcorp Genetics (formerly Invitae), Labcorp
Classification: Uncertain significance. Last evaluated: 2025-03-11. Review status: criteria provided, single submitter. Criteria: Invitae Variant Classification Sherloc (09022015). Collection method: clinical testing. Allele origin: germline.
Comment: This sequence change replaces proline, which is neutral and non-polar, with leucine, which is neutral and non-polar, at codon 2452 of the SRRM2 protein (p.Pro2452Leu). This variant is present in population databases (rs757234689, gnomAD 0.02%). This variant has not been reported in the literature in individuals affected with SRRM2-related conditions. An algorithm developed to predict the effect of missense changes on protein structure and function (PolyPhen-2) suggests that this variant is likely to be disruptive. In summary, the available evidence is currently insufficient to determine the role of this variant in disease. Therefore, it has been classified as a Variant of Uncertain Significance.

NM_016333.4(SRRM2):c.7355C>T (p.Pro2452Leu)

Gene: SRRM2 (serine/arginine repetitive matrix 2; plus strand). Cytogenetic location: 16p13.3.
Variant type: single nucleotide variant.
Coding change: c.7355C>T on transcript NM_016333.4 (MANE Select); coding-DNA position 7355, C replaced by T.
Protein change: p.Pro2452Leu; replaces proline 2452 with leucine.
Molecular consequence: missense variant.
Genome position (GRCh38, 1-based): chr16:2,767,883, C>T. VCF-style: chr16-2767883-C-T. GRCh37 (hg19) VCF-style: chr16-2817884-C-T.
Other names: short protein forms P2452L.
Identifiers: ClinVar variation 4810492 (VCV004810492.1).